The following is an entry in ClinVar:

NM_002878.4:c.(263_263+1459)_(263+1647_264)del

Gene: RAD51D (RAD51 paralog D; minus strand).
Variant type: Deletion.
Other names: c.(263_263+1459)_(263+1647_264)del (NM_002878.4).
Identifiers: ClinVar variation 2580962 (VCV002580962.2).

ClinVar aggregate classification (germline): Uncertain significance (1 of 4 stars; one submission).

Conditions:
Breast-ovarian cancer, familial, susceptibility to, 4. Identifiers: Orphanet 145, MedGen C3280345, MONDO:0013669, OMIM 614291.

Submission:

Dr. med. U. Finckh, Human Genetics, Eurofins MVZ
Classification: Uncertain significance for Breast-ovarian cancer, familial, susceptibility to, 4. Last evaluated: 2022-08-01. Review status: criteria provided, single submitter. Criteria: ACMG Guidelines, 2015. Collection method: clinical testing. Allele origin: unknown. Observed: 1 heterozygote.
Comment: Deletion of an intronic region of the canonical RAD51D transcript NM_002878 but also of one exon (179bp) of the alternative transcript NM_001142571. Not present in gnomad SVs.